The following is an entry in ClinVar:

NM_001457.4(FLNB):c.4439C>G (p.Thr1480Arg)

Gene: FLNB (filamin B; plus strand). Cytogenetic location: 3p14.3.
Variant type: single nucleotide variant.
Coding change: c.4439C>G on transcript NM_001457.4 (MANE Select); coding-DNA position 4439, C replaced by G.
Protein change: p.Thr1480Arg; replaces threonine 1480 with arginine.
Molecular consequence: missense variant.
Genome position (GRCh38, 1-based): chr3:58,132,856, C>G. VCF-style: chr3-58132856-C-G. GRCh37 (hg19) VCF-style: chr3-58118583-C-G.
Other names: c.4532C>G, p.Thr1511Arg (NM_001164317.2); c.4439C>G, p.Thr1480Arg (NM_001164318.2, NM_001164319.2); short protein forms T1480R, T1511R.
Identifiers: ClinVar variation 1932694 (VCV001932694.5), dbSNP rs2097309752, ClinGen allele CA353351268.

ClinVar aggregate classification (germline): Uncertain significance (1 of 4 stars; one submission).

Submission:

Labcorp Genetics (formerly Invitae), Labcorp
Classification: Uncertain significance. Last evaluated: 2023-08-04. Review status: criteria provided, single submitter. Criteria: Invitae Variant Classification Sherloc (09022015). Collection method: clinical testing. Allele origin: germline.
Comment: ClinVar contains an entry for this variant (Variation ID: 1932694). This variant has not been reported in the literature in individuals affected with FLNB-related conditions. This variant is not present in population databases (gnomAD no frequency). This sequence change replaces threonine, which is neutral and polar, with arginine, which is basic and polar, at codon 1480 of the FLNB protein (p.Thr1480Arg). In summary, the available evidence is currently insufficient to determine the role of this variant in disease. Therefore, it has been classified as a Variant of Uncertain Significance. Advanced modeling of protein sequence and biophysical properties (such as structural, functional, and spatial information, amino acid conservation, physicochemical variation, residue mobility, and thermodynamic stability) performed at Invitae indicates that this missense variant is not expected to disrupt FLNB protein function.